The following is an entry in ClinVar:

ClinVar aggregate classification (germline): Likely benign. Review status: criteria provided, single submitter (1 of 4 stars). 2 submissions from 2 submitters: Likely benign (1). 1 of the submissions does not count toward it. Last evaluated 2025-10-09.

Conditions:
ARHGEF10-related disorder. Also called: ARHGEF10-related condition.

gnomAD v4.1: 48 of 1,613,892 alleles (0.003%); highest among the groups gnomAD compares: African/African-American, 0.061%; no homozygotes.

Submissions (2):

Labcorp Genetics (formerly Invitae), Labcorp
Classification: Likely benign. Last evaluated: 2025-10-09. Review status: criteria provided, single submitter. Criteria: Invitae Variant Classification Sherloc (09022015). Collection method: clinical testing. Allele origin: germline.

PreventionGenetics, part of Exact Sciences
Classification: Likely benign for ARHGEF10-related condition. Last evaluated: 2019-07-29. Review status: no assertion criteria provided. Collection method: clinical testing. Allele origin: germline. Not counted in ClinVar's aggregate classification.
Comment: This variant is classified as likely benign based on ACMG/AMP sequence variant interpretation guidelines (Richards et al. 2015 PMID: 25741868, with internal and published modifications).

NM_014629.4(ARHGEF10):c.141A>G (p.Pro47=)

Gene: ARHGEF10 (Rho guanine nucleotide exchange factor 10; plus strand). Cytogenetic location: 8p23.3.
Variant type: single nucleotide variant.
Coding change: c.141A>G on transcript NM_014629.4 (MANE Select); coding-DNA position 141, A replaced by G.
Protein change: p.Pro47=; no amino-acid change (proline 47 retained).
Molecular consequence: synonymous variant.
Genome position (GRCh38, 1-based): chr8:1,858,063, A>G. VCF-style: chr8-1858063-A-G. GRCh37 (hg19) VCF-style: chr8-1806229-A-G.
Other names: c.141A>G, p.Pro47= (NM_001308152.2, NM_001308153.3).
Identifiers: ClinVar variation 3358745 (VCV003358745.2).
Genomic context (GRCh38, chr8:1,858,063, plus strand): 5'-GGGAGAACAGTTCGATTTTGACAGTGGAGATGAAATCCCAGAAGCGGACAGACAGGCCCC[A>G]TCCGCCCCTGAGACAGGAGGTGCTGGAGCCAGTGAAGCCCCTGCACCCACAGGTGAGTTT-3'
Protein context (NP_055444.2, residues 37-57): DEIPEADRQA[Pro47=]SAPETGGAGA